The following is an entry in ClinVar:

ClinVar aggregate classification (germline): Conflicting classifications of pathogenicity. Review status: criteria provided, conflicting classifications (1 of 4 stars). 4 submissions from 4 submitters: Likely pathogenic (2); Uncertain significance (2). Last evaluated 2025-08-20.

Conditions:
Cardiovascular phenotype. Identifiers: MedGen CN230736.
Telangiectasia, hereditary hemorrhagic, type 2 (HHT2). Also called: ACVRL1-Related Hereditary Hemorrhagic Telangiectasia; Telangiectasia, hereditary hemorrhagic, type II. Identifiers: Orphanet 774, MedGen C1838163, MONDO:0010880, OMIM 600376. Disease mechanism: loss of function.

Allele frequency attached by ClinVar (database versions not stated): gnomAD 0.00001; gnomAD exomes 0.00001; TOPMed 0.00001.

Submissions (4):

Ambry Genetics
Classification: Uncertain significance for Cardiovascular phenotype. Last evaluated: 2025-08-20. Review status: criteria provided, single submitter. Criteria: Ambry Variant Classification Scheme 2023. Collection method: clinical testing. Allele origin: germline.
Comment: The p.R200W variant (also known as c.598C>T), located in coding exon 4 of the ACVRL1 gene, results from a C to T substitution at nucleotide position 598. The arginine at codon 200 is replaced by tryptophan, an amino acid with dissimilar properties. This variant was reported in individual(s) with features consistent with cerebral cavernous malformation and hereditary hemorrhagic telangiectasia (Kumar M et al. Pediatr Blood Cancer, 2023 Oct;70:e30499). This amino acid position is highly conserved in available vertebrate species. In addition, this alteration is predicted to be deleterious by in silico analysis. Based on the available evidence, the clinical significance of this variant remains unclear.

Labcorp Genetics (formerly Invitae), Labcorp
Classification: Likely pathogenic for Telangiectasia, hereditary hemorrhagic, type 2. Last evaluated: 2025-03-09. Review status: criteria provided, single submitter. Criteria: Invitae Variant Classification Sherloc (09022015). Collection method: clinical testing. Allele origin: germline.
Comment: This sequence change replaces arginine, which is basic and polar, with tryptophan, which is neutral and slightly polar, at codon 200 of the ACVRL1 protein (p.Arg200Trp). This variant is present in population databases (no rsID available, gnomAD 0.007%). This missense change has been observed in individual(s) with clinical features of hereditary hemorrhagic telangiectasia (PMID: 31618753). ClinVar contains an entry for this variant (Variation ID: 429372). Invitae Evidence Modeling of protein sequence and biophysical properties (such as structural, functional, and spatial information, amino acid conservation, physicochemical variation, residue mobility, and thermodynamic stability) indicates that this missense variant is expected to disrupt ACVRL1 protein function with a positive predictive value of 95%. Algorithms developed to predict the effect of sequence changes on RNA splicing suggest that this variant may disrupt the consensus splice site. This variant disrupts the p.Arg200 amino acid residue in ACVRL1. Other variant(s) that disrupt this residue have been observed in individuals with ACVRL1-related conditions (PMID: 24196379; internal data), which suggests that this may be a clinically significant amino acid residue. In summary, the currently available evidence indicates that the variant is pathogenic, but additional data are needed to prove that conclusively. Therefore, this variant has been classified as Likely Pathogenic.

Fulgent Genetics
Classification: Uncertain significance for Telangiectasia, hereditary hemorrhagic, type 2. Last evaluated: 2024-03-14. Review status: criteria provided, single submitter. Criteria: ACMG Guidelines, 2015. Collection method: clinical testing. Allele origin: germline.

GeneDx
Classification: Likely pathogenic. Last evaluated: 2015-08-28. Review status: criteria provided, single submitter. Criteria: GeneDx Variant Classification (06012015). Collection method: clinical testing. Allele origin: germline. Affected: yes.
Comment: The R200W variant in the ACVRL1 gene has not been published as a pathogenic variant, nor has it been reported as a benign polymorphism to our knowledge. However, a missense variant at this same codon (R200G), as well as missense variant in neighboring codons (T197I, V198E, Q201K/R/P, L204W, V205G) have been reported in the Human Gene Mutation Database in association with HHT, (Stenson et al., 2014), supporting the functional importance of this region of the protein. The R200W variant was not observed in approximately 6500 individuals of European and African American ancestry in the NHLBI Exome Sequencing Project, indicating it is not a common benign variant in these populations. The R200W variant is a non-conservative amino acid substitution, which is likely to impact secondary protein structure as these residues differ in polarity, charge, size and/or other properties. This substitution occurs at a position that is conserved across species. In silico analysis predicts this variant is probably damaging to the protein structure/function. The R200W variant is a strong candidate for a disease-causing variant however the possibility it may be a rare benign variant cannot be excluded

Literature cited by the submitters: PubMed 31618753 (cited by Ambry Genetics and Labcorp Genetics (formerly Invitae), Labcorp); PubMed 37336838 (cited by Ambry Genetics); PubMed 24196379 (cited by Labcorp Genetics (formerly Invitae), Labcorp).

NM_000020.3(ACVRL1):c.598C>T (p.Arg200Trp)

Gene: ACVRL1 (activin A receptor like type 1; plus strand). Cytogenetic location: 12q13.13.
Variant type: single nucleotide variant.
Coding change: c.598C>T on transcript NM_000020.3 (MANE Select); coding-DNA position 598, C replaced by T.
Protein change: p.Arg200Trp; replaces arginine 200 with tryptophan.
Molecular consequence: missense variant.
Genome position (GRCh38, 1-based): chr12:51,914,046, C>T. VCF-style: chr12-51914046-C-T. GRCh37 (hg19) VCF-style: chr12-52307830-C-T.
Other names: c.598C>T, p.Arg200Trp (NM_001077401.2); short protein forms R200W.
Identifiers: ClinVar variation 429372 (VCV000429372.11), dbSNP rs999380946, ClinGen allele CA236362870.